The following is an entry in ClinVar:

ClinVar aggregate classification (germline): Conflicting classifications of pathogenicity. Review status: criteria provided, conflicting classifications (1 of 4 stars). 9 submissions from 9 submitters: Uncertain significance (6); Benign (1); Likely benign (2). Last evaluated 2026-05-12.

Conditions:
COL6A3-related disorder. Also called: COL6A3-related disorders; COL6A3-related condition.
Dystonia 27 (DYT27). Identifiers: Orphanet 464440, MedGen C4225336, MONDO:0014627, OMIM 616411.
Ullrich congenital muscular dystrophy 1A. Also called: Ullrich congenital muscular dystrophy 1; Intermediate COL6-RD. Identifiers: Orphanet 75840, MedGen C0410179, MONDO:0009681, OMIM 254090.
Bethlem myopathy 1A. Also called: Bethlem myopathy 1; Bethlem Muscular Dystrophy; MYOPATHY, BENIGN CONGENITAL, WITH CONTRACTURES. Identifiers: Orphanet 610, MedGen CN029274, MONDO:0024530, OMIM 158810.
Collagen 6-related myopathy. Identifiers: MedGen CN117976, MONDO:0100225.

Allele frequency attached by ClinVar (database versions not stated): ESP Exome Variant Server 0.00008; 1000 Genomes Project 0.00020; TOPMed 0.00023; 1000 Genomes Project 30x 0.00031; gnomAD 0.00061.
gnomAD v4.1: 594 of 1,613,860 alleles (0.037%); highest among the groups gnomAD compares: South Asian, 0.093%; no homozygotes.

Submissions (9):

PreventionGenetics, part of Exact Sciences
Classification: Uncertain significance for COL6A3-related condition. Last evaluated: 2026-05-12. Review status: criteria provided, single submitter. Criteria: ACMG Guidelines, 2015. Collection method: clinical testing. Allele origin: germline.
Comment: The COL6A3 c.3223C>T variant is predicted to result in the amino acid substitution p.Arg1075Trp. To our knowledge, this variant has not been reported in the literature. This variant is reported in 0.14% of alleles in individuals of European (Finnish) descent in gnomAD, which may be too frequent to be a primary cause of disease. Although we suspect that this variant may be benign, at this time, the clinical significance of this variant is uncertain due to the absence of conclusive functional and genetic evidence.

Labcorp Genetics (formerly Invitae), Labcorp
Classification: Likely benign for Bethlem myopathy 1A. Last evaluated: 2025-12-22. Review status: criteria provided, single submitter. Criteria: Invitae Variant Classification Sherloc (09022015). Collection method: clinical testing. Allele origin: germline.

GeneDx
Classification: Uncertain significance. Last evaluated: 2025-08-04. Review status: criteria provided, single submitter. Criteria: GeneDx Variant Classification Process June 2021. Collection method: clinical testing. Allele origin: germline. Affected: yes.
Comment: In silico analysis supports that this missense variant has a deleterious effect on protein structure/function; This variant is associated with the following publications: (PMID: 33830323, 26004199)

Blueprint Genetics
Classification: Uncertain significance. Last evaluated: 2024-10-11. Review status: criteria provided, single submitter. Criteria: ACMG Guidelines, 2015. Collection method: clinical testing. Allele origin: germline.

Revvity Omics, Revvity
Classification: Likely benign. Last evaluated: 2024-05-03. Review status: criteria provided, single submitter. Criteria: ACMG Guidelines, 2015. Collection method: clinical testing. Allele origin: germline.

CeGaT Center for Human Genetics Tuebingen
Classification: Uncertain significance. Last evaluated: 2021-03-01. Review status: criteria provided, single submitter. Criteria: CeGaT Center For Human Genetics Tuebingen Variant Classification Criteria Version 2. Collection method: clinical testing. Allele origin: germline. Affected: yes. Observed: 1 variant allele.

Fulgent Genetics
Classification: Uncertain significance for Bethlem myopathy 1A; Ullrich congenital muscular dystrophy 1A; Dystonia 27. Last evaluated: 2018-10-31. Review status: criteria provided, single submitter. Criteria: ACMG Guidelines, 2015. Collection method: clinical testing. Allele origin: unknown.

Illumina Laboratory Services, Illumina
Classification: Benign for Collagen VI-related myopathy. Last evaluated: 2018-01-13. Review status: criteria provided, single submitter. Criteria: ICSL Variant Classification Criteria 13 December 2019. Collection method: clinical testing. Allele origin: germline.
Comment: This variant was observed in the ICSL laboratory as part of a predisposition screen in an ostensibly healthy population. It had not been previously curated by ICSL or reported in the Human Gene Mutation Database (HGMD: prior to June 1st, 2018), and was therefore a candidate for classification through an automated scoring system. Utilizing variant allele frequency, disease prevalence and penetrance estimates, and inheritance mode, an automated score was calculated to assess if this variant is too frequent to cause the disease. Based on the score and internal cut-off values, a variant classified as benign is not then subjected to further curation. The score for this variant resulted in a classification of benign for this disease.

Eurofins Ntd Llc (ga)
Classification: Uncertain significance. Last evaluated: 2016-08-25. Review status: criteria provided, single submitter. Criteria: EGL Classification Definitions 2015. Collection method: clinical testing. Allele origin: germline. Observed: 2 variant alleles, 2 heterozygotes.

NM_004369.4(COL6A3):c.3223C>T (p.Arg1075Trp)

Gene: COL6A3 (collagen type VI alpha 3 chain; minus strand). Cytogenetic location: 2q37.3.
Variant type: single nucleotide variant.
Coding change: c.3223C>T on transcript NM_004369.4 (MANE Select); coding-DNA position 3223, C replaced by T.
Protein change: p.Arg1075Trp; replaces arginine 1075 with tryptophan.
Molecular consequence: missense variant.
Genome position (GRCh38, 1-based): chr2:237,374,868, G>A on the plus strand (C>T on the coding strand, the complement: COL6A3 is on the minus strand). VCF-style: chr2-237374868-G-A. GRCh37 (hg19) VCF-style: chr2-238283511-G-A.
Other names: c.2002C>T, p.Arg668Trp (NM_057164.5); c.2605C>T, p.Arg869Trp (NM_057165.5, NM_057167.4); c.1402C>T, p.Arg468Trp (NM_057166.5); short protein forms R1075W, R468W, R869W, R668W.
Identifiers: ClinVar variation 289937 (VCV000289937.59), dbSNP rs201962257, ClinGen allele CA2189211.